The following is an entry in ClinVar:

ClinVar aggregate classification (germline): Uncertain significance (1 of 4 stars; one submission).

Submission:

Labcorp Genetics (formerly Invitae), Labcorp
Classification: Uncertain significance. Last evaluated: 2025-06-12. Review status: criteria provided, single submitter. Criteria: Invitae Variant Classification Sherloc (09022015). Collection method: clinical testing. Allele origin: germline.
Comment: This sequence change replaces valine, which is neutral and non-polar, with phenylalanine, which is neutral and non-polar, at codon 674 of the SLC4A1 protein (p.Val674Phe). This variant is not present in population databases (gnomAD no frequency). This variant has not been reported in the literature in individuals affected with SLC4A1-related conditions. Invitae Evidence Modeling of protein sequence and biophysical properties (such as structural, functional, and spatial information, amino acid conservation, physicochemical variation, residue mobility, and thermodynamic stability) has been performed for this missense variant. However, the output from this modeling did not meet the statistical confidence thresholds required to predict the impact of this variant on SLC4A1 protein function. In summary, the available evidence is currently insufficient to determine the role of this variant in disease. Therefore, it has been classified as a Variant of Uncertain Significance.

NM_000342.4(SLC4A1):c.2020G>T (p.Val674Phe)

Gene: SLC4A1 (solute carrier family 4 member 1 (Diego blood group); minus strand). Cytogenetic location: 17q21.31.
Variant type: single nucleotide variant.
Coding change: c.2020G>T on transcript NM_000342.4 (MANE Select); coding-DNA position 2020, G replaced by T.
Protein change: p.Val674Phe; replaces valine 674 with phenylalanine.
Molecular consequence: missense variant.
Genome position (GRCh38, 1-based): chr17:44,254,533, C>A on the plus strand (G>T on the coding strand, the complement: SLC4A1 is on the minus strand). VCF-style: chr17-44254533-C-A. GRCh37 (hg19) VCF-style: chr17-42331901-C-A.
Other names: short protein forms V674F.
Identifiers: ClinVar variation 4743581 (VCV004743581.1).